The following is an entry in ClinVar:

ClinVar aggregate classification (germline): Uncertain significance. Review status: criteria provided, multiple submitters, no conflicts (2 of 4 stars). 2 submissions from 2 submitters: Uncertain significance (2). Last evaluated 2024-06-05.

Conditions:
Inborn genetic diseases. Identifiers: MedGen C0950123, MeSH D030342.

Submissions (2):

Ambry Genetics
Classification: Uncertain significance for Inborn genetic diseases. Last evaluated: 2024-06-05. Review status: criteria provided, single submitter. Criteria: Ambry Variant Classification Scheme 2023. Collection method: clinical testing. Allele origin: germline.
Comment: The p.L949V variant (also known as c.2845C>G), located in coding exon 14 of the ATR gene, results from a C to G substitution at nucleotide position 2845. The leucine at codon 949 is replaced by valine, an amino acid with highly similar properties. This amino acid position is conserved. In addition, this alteration is predicted to be tolerated by in silico analysis. Since supporting evidence is limited at this time, the clinical significance of this alteration remains unclear.

Labcorp Genetics (formerly Invitae), Labcorp
Classification: Uncertain significance. Last evaluated: 2022-05-07. Review status: criteria provided, single submitter. Criteria: Invitae Variant Classification Sherloc (09022015). Collection method: clinical testing. Allele origin: germline.
Comment: In summary, the available evidence is currently insufficient to determine the role of this variant in disease. Therefore, it has been classified as a Variant of Uncertain Significance. Algorithms developed to predict the effect of missense changes on protein structure and function are either unavailable or do not agree on the potential impact of this missense change (SIFT: "Tolerated"; PolyPhen-2: "Possibly Damaging"; Align-GVGD: "Class C0"). This variant has not been reported in the literature in individuals affected with ATR-related conditions. This variant is not present in population databases (gnomAD no frequency). This sequence change replaces leucine, which is neutral and non-polar, with valine, which is neutral and non-polar, at codon 949 of the ATR protein (p.Leu949Val).

NM_001184.4(ATR):c.2845C>G (p.Leu949Val)

Gene: ATR (ATR checkpoint kinase; minus strand). Cytogenetic location: 3q23.
Variant type: single nucleotide variant.
Coding change: c.2845C>G on transcript NM_001184.4 (MANE Select); coding-DNA position 2845, C replaced by G.
Protein change: p.Leu949Val; replaces leucine 949 with valine.
Molecular consequence: missense variant.
Genome position (GRCh38, 1-based): chr3:142,550,263, G>C on the plus strand (C>G on the coding strand, the complement: ATR is on the minus strand). VCF-style: chr3-142550263-G-C. GRCh37 (hg19) VCF-style: chr3-142269105-G-C.
Other names: c.2653C>G, p.Leu885Val (NM_001354579.2); short protein forms L949V, L885V.
Identifiers: ClinVar variation 1796764 (VCV001796764.8), dbSNP rs2473367595, ClinGen allele CA354813257.
Genomic context (GRCh38, chr3:142,550,263, plus strand): 5'-CTCTCTGGTGAGCCACATCTTGTTTTCGCACGTCAGCATTCTGGCATGGAGTATTCGGAA[G>C]TGCTGTCATCTGACTAGAGTGAAGGGATTCTACCAAAAACTAGAGCAAAAACCATTTTAT-3'
Protein context (NP_001175.2, residues 939-959): ESLHSSQMTA[Leu949Val]PNTPCQNADV